The following is an entry in ClinVar:

ClinVar aggregate classification (germline): Pathogenic (1 of 4 stars; one submission).

Conditions:
Glycogen storage disease type III (GSD3). Also called: FORBES DISEASE; Cori disease. Identifiers: Orphanet 366, MedGen C0017922, MONDO:0009291, OMIM 232400.

Allele frequency attached by ClinVar (database versions not stated): gnomAD 0.00001.

Submission:

Labcorp Genetics (formerly Invitae), Labcorp
Classification: Pathogenic for Glycogen storage disease type III. Last evaluated: 2023-04-11. Review status: criteria provided, single submitter. Criteria: Invitae Variant Classification Sherloc (09022015). Collection method: clinical testing. Allele origin: germline.
Comment: This sequence change creates a premature translational stop signal (p.Pro800Thrfs*8) in the AGL gene. It is expected to result in an absent or disrupted protein product. Loss-of-function variants in AGL are known to be pathogenic (PMID: 19299494). This variant is not present in population databases (gnomAD no frequency). This variant has not been reported in the literature in individuals affected with AGL-related conditions. For these reasons, this variant has been classified as Pathogenic.

Literature cited by the submitters: PubMed 19299494.

NM_000642.3(AGL):c.2397dup (p.Pro800fs)

Gene: AGL (amylo-alpha-1,6-glucosidase and 4-alpha-glucanotransferase; plus strand). Cytogenetic location: 1p21.2.
Variant type: Duplication.
Coding change: c.2397dup on transcript NM_000642.3 (MANE Select); coding-DNA position 2397, one base duplicated (A; older notation c.2397dupA).
Protein change: p.Pro800fs; shifts the reading frame from proline 800.
Molecular consequence: frameshift variant.
Genome position (GRCh38, 1-based): chr1:99,884,208, A duplicated. VCF-style (leftmost placement, unchanged base first): chr1-99884207-C-CA. GRCh37 (hg19) VCF-style: chr1-100349763-C-CA.
Other names: c.2397dup, p.Pro800Thrfs (NM_000028.3, NM_000643.3, NM_000644.3 and 2 more transcripts); c.2349dup, p.Pro784Thrfs (NM_000646.3); c.2196dup, p.Pro733Thrfs (NM_001425327.1); c.2193dup, p.Pro732Thrfs (NM_001425328.1, NM_001425329.1); c.2019dup, p.Pro674Thrfs (NM_001425332.1); short protein forms P784fs, P800fs.
Identifiers: ClinVar variation 2720968 (VCV002720968.3), dbSNP rs1652267866, ClinGen allele CA1004936159.
Genomic context (GRCh38, chr1:99,884,207, plus strand): 5'-CTAGAACTATTGAGAGAAACACGAAACCTTATAGGAAGGATGAGAATTCAATCAATGGAA[C>CA]ACCAGATATCACAGTAGAAATTAGAGAACATATTCAGGTATTTGGGACTCTCATCTTACT-3'